The following is an entry in ClinVar:

ClinVar aggregate classification (germline): Conflicting classifications of pathogenicity. Review status: criteria provided, conflicting classifications (1 of 4 stars). 2 submissions from 2 submitters: Uncertain significance (1); Likely benign (1). Last evaluated 2024-08-20.

Conditions:
Inborn genetic diseases. Identifiers: MedGen C0950123, MeSH D030342.

Allele frequency attached by ClinVar (database versions not stated): gnomAD exomes 0.00001; ExAC 0.00003; ESP Exome Variant Server 0.00008; TOPMed 0.00009; gnomAD 0.00012.
gnomAD v4.1: 39 of 1,613,930 alleles (0.0024%); highest among the groups gnomAD compares: Admixed American, 0.032%; no homozygotes.

Submissions (2):

Ambry Genetics
Classification: Likely benign for Inborn genetic diseases. Last evaluated: 2024-08-20. Review status: criteria provided, single submitter. Criteria: Ambry Variant Classification Scheme 2023. Collection method: clinical testing. Allele origin: germline.

Labcorp Genetics (formerly Invitae), Labcorp
Classification: Uncertain significance. Last evaluated: 2024-05-29. Review status: criteria provided, single submitter. Criteria: Invitae Variant Classification Sherloc (09022015). Collection method: clinical testing. Allele origin: germline.
Comment: This sequence change replaces arginine, which is basic and polar, with glutamine, which is neutral and polar, at codon 782 of the ENPP1 protein (p.Arg782Gln). This variant is present in population databases (rs375822204, gnomAD 0.01%). This variant has not been reported in the literature in individuals affected with ENPP1-related conditions. ClinVar contains an entry for this variant (Variation ID: 1988551). Advanced modeling of protein sequence and biophysical properties (such as structural, functional, and spatial information, amino acid conservation, physicochemical variation, residue mobility, and thermodynamic stability) performed at Invitae indicates that this missense variant is not expected to disrupt ENPP1 protein function with a negative predictive value of 80%. In summary, the available evidence is currently insufficient to determine the role of this variant in disease. Therefore, it has been classified as a Variant of Uncertain Significance.

NM_006208.3(ENPP1):c.2345G>A (p.Arg782Gln)

Gene: ENPP1 (ectonucleotide pyrophosphatase/phosphodiesterase 1; plus strand). Cytogenetic location: 6q23.2.
Variant type: single nucleotide variant.
Coding change: c.2345G>A on transcript NM_006208.3 (MANE Select); coding-DNA position 2345, G replaced by A.
Protein change: p.Arg782Gln; replaces arginine 782 with glutamine.
Molecular consequence: missense variant.
Genome position (GRCh38, 1-based): chr6:131,884,964, G>A. VCF-style: chr6-131884964-G-A. GRCh37 (hg19) VCF-style: chr6-132206104-G-A.
Other names: c.2345G>A (NM_006208.2); short protein forms R782Q.
Identifiers: ClinVar variation 1988551 (VCV001988551.5), dbSNP rs375822204, ClinGen allele CA4002510.